The following is an entry in ClinVar:

ClinVar aggregate classification (germline): Likely pathogenic (1 of 4 stars; one submission).

Submission:

Labcorp Genetics (formerly Invitae), Labcorp
Classification: Likely pathogenic. Last evaluated: 2023-08-29. Review status: criteria provided, single submitter. Criteria: Invitae Variant Classification Sherloc (09022015). Collection method: clinical testing. Allele origin: unknown.
Comment: In summary, the currently available evidence indicates that the variant is pathogenic, but additional data are needed to prove that conclusively. Therefore, this variant has been classified as Likely Pathogenic. This variant has not been reported in the literature in individuals affected with OTOF-related conditions. This variant results in a copy number gain of the genomic region encompassing exon(s) 6-25 of the OTOF gene. While the exact position of this variant cannot be determined from the data, sub-genic copy number gains are generally in tandem (PMID: 25640679). This variant is predicted to be out-of-frame, and may result in an absent or disrupted protein product. Loss-of-function variants in OTOF are known to be pathogenic (PMID: 18381613, 19250381, 22575033).

Literature cited by the submitters: PubMed 25640679; PubMed 18381613; PubMed 19250381; PubMed 22575033.

NC_000002.11:g.(?_26698207)_(26726733_?)dup

Gene: OTOF (otoferlin; minus strand). Cytogenetic location: 2p23.3.
Variant type: Duplication.
Identifiers: ClinVar variation 3247615 (VCV003247615.1).